The following is an entry in ClinVar:

ClinVar aggregate classification (germline): Likely pathogenic (1 of 4 stars; one submission).

Submission:

GeneDx
Classification: Likely pathogenic. Last evaluated: 2024-08-05. Review status: criteria provided, single submitter. Criteria: GeneDx Variant Classification Process June 2021. Collection method: clinical testing. Allele origin: germline. Affected: yes.
Comment: Reported in association with osteogenesis imperfecta (PMID: 31680973); however, no patient information was provided; Occurs in the triple helical domain and replaces a glycine in a canonical Gly-X-Y repeat; missense substitution of a canonical glycine residue is expected to disrupt normal protein folding and function, and this is an established mechanism of disease (PMID: 34007986); Not observed at significant frequency in large population cohorts (gnomAD); In silico analysis supports that this missense variant has a deleterious effect on protein structure/function; This variant is associated with the following publications: (PMID: 34007986, 31680973)

NM_000088.4(COL1A1):c.3289G>C (p.Gly1097Arg)

Gene: COL1A1 (collagen type I alpha 1 chain; minus strand). Cytogenetic location: 17q21.33.
Variant type: single nucleotide variant.
Coding change: c.3289G>C on transcript NM_000088.4 (MANE Select); coding-DNA position 3289, G replaced by C.
Protein change: p.Gly1097Arg; replaces glycine 1097 with arginine.
Molecular consequence: missense variant.
Genome position (GRCh38, 1-based): chr17:50,187,956, C>G on the plus strand (G>C on the coding strand, the complement: COL1A1 is on the minus strand). VCF-style: chr17-50187956-C-G. GRCh37 (hg19) VCF-style: chr17-48265317-C-G.
Other names: short protein forms G1097R.
Identifiers: ClinVar variation 3602941 (VCV003602941.1).